The following is an entry in ClinVar:

NM_004370.6(COL12A1):c.2357C>T (p.Thr786Met)

Gene: COL12A1 (collagen type XII alpha 1 chain; minus strand). Cytogenetic location: 6q13.
Variant type: single nucleotide variant.
Coding change: c.2357C>T on transcript NM_004370.6 (MANE Select); coding-DNA position 2357, C replaced by T.
Protein change: p.Thr786Met; replaces threonine 786 with methionine.
Molecular consequence: missense variant. On other transcripts: intron variant (1).
Genome position (GRCh38, 1-based): chr6:75,177,743, G>A on the plus strand (C>T on the coding strand, the complement: COL12A1 is on the minus strand). VCF-style: chr6-75177743-G-A. GRCh37 (hg19) VCF-style: chr6-75887459-G-A.
Other names: p.Thr786Met; c.73+24977C>T (NM_080645.3); short protein forms T786M.
Identifiers: ClinVar variation 798213 (VCV000798213.24), dbSNP rs148810173, ClinGen allele CA3894002.

ClinVar aggregate classification (germline): Conflicting classifications of pathogenicity. Review status: criteria provided, conflicting classifications (1 of 4 stars). 6 submissions from 6 submitters: Uncertain significance (4); Likely benign (2). Last evaluated 2026-04-07.

Conditions:
Ullrich congenital muscular dystrophy 2 (UCMD2). Identifiers: Orphanet 75840, MedGen C4225314, MONDO:0014654, OMIM 616470.
Bethlem myopathy 2 (BTHLM2). Identifiers: Orphanet 536516, Orphanet 610, MedGen C4225313, MONDO:0034022, OMIM 616471.
Inborn genetic diseases. Identifiers: MedGen C0950123, MeSH D030342.

Allele frequency attached by ClinVar (database versions not stated): gnomAD exomes 0.00008 and 0.00020; ExAC 0.00021; ESP Exome Variant Server 0.00050; gnomAD 0.00070 and 0.00072; TOPMed 0.00082; 1000 Genomes Project 0.00120; 1000 Genomes Project 30x 0.00125.
gnomAD v4.1: 237 of 1,614,030 alleles (0.015%); highest among the groups gnomAD compares: African/African-American, 0.22%; no homozygotes.

Submissions (6):

Women's Health and Genetics/Laboratory Corporation of America, LabCorp
Classification: Uncertain significance. Last evaluated: 2026-04-07. Review status: criteria provided, single submitter. Criteria: LabCorp Variant Classification Summary - May 2015. Collection method: clinical testing. Allele origin: germline.

Labcorp Genetics (formerly Invitae), Labcorp
Classification: Likely benign for Bethlem myopathy 2; Ullrich congenital muscular dystrophy 2. Last evaluated: 2026-01-06. Review status: criteria provided, single submitter. Criteria: Invitae Variant Classification Sherloc (09022015). Collection method: clinical testing. Allele origin: germline.

Mayo Clinic Laboratories, Mayo Clinic
Classification: Uncertain significance. Last evaluated: 2025-11-01. Review status: criteria provided, single submitter. Criteria: ACMG Guidelines, 2015. Collection method: clinical testing. Allele origin: germline. Observed: 2 variant alleles.
Comment: BS1

GeneDx
Classification: Uncertain significance. Last evaluated: 2024-05-02. Review status: criteria provided, single submitter. Criteria: GeneDx Variant Classification Process June 2021. Collection method: clinical testing. Allele origin: germline. Affected: yes.
Comment: Has not been previously published as pathogenic or benign to our knowledge; Observed with COL12A1 p.(A506G) in several individuals, suggesting these two variants may occur on the same allele (in cis); In silico analysis indicates that this missense variant does not alter protein structure/function

Revvity Omics, Revvity
Classification: Likely benign. Last evaluated: 2024-03-28. Review status: criteria provided, single submitter. Criteria: ACMG Guidelines, 2015. Collection method: clinical testing. Allele origin: germline.

Ambry Genetics
Classification: Uncertain significance for Inborn genetic diseases. Last evaluated: 2021-10-22. Review status: criteria provided, single submitter. Criteria: Ambry Variant Classification Scheme 2023. Collection method: clinical testing. Allele origin: germline.